The following is an entry in ClinVar:

NM_001256789.3(CACNA1F):c.4480T>C (p.Cys1494Arg)

Gene: CACNA1F (calcium voltage-gated channel subunit alpha1 F; minus strand). Cytogenetic location: Xp11.23.
Variant type: single nucleotide variant.
Coding change: c.4480T>C on transcript NM_001256789.3 (MANE Select); coding-DNA position 4480, T replaced by C.
Protein change: p.Cys1494Arg; replaces cysteine 1494 with arginine.
Molecular consequence: missense variant.
Genome position (GRCh38, 1-based): chrX:49,210,595, A>G on the plus strand (T>C on the coding strand, the complement: CACNA1F is on the minus strand). VCF-style: chrX-49210595-A-G. GRCh37 (hg19) VCF-style: chrX-49067055-A-G.
Other names: c.4318T>C, p.Cys1440Arg (NM_001256790.3); c.4513T>C, p.Cys1505Arg (NM_005183.4); short protein forms C1440R, C1494R, C1505R.
Identifiers: ClinVar variation 1719277 (VCV001719277.5), dbSNP rs2520773305, ClinGen allele CA412960932.
Genomic context (GRCh38, chrX:49,210,595, plus strand): 5'-TTGCCATGTGATAGACAGTTCTCTCAGGAGCCTGGGGGTGGGCAGGTGCACAGACCTTGC[A>G]GGCCACTCGGTGTGGGCACAGCTTCCCAAATCCCAGAGGGGGCTGGATACGTCTCAGCAG-3'
Protein context (NP_001243718.1, residues 1484-1504): FGKLCPHRVA[Cys1494Arg]KRLVAMNMPL

ClinVar aggregate classification (germline): Uncertain significance (1 of 4 stars; one submission).

Submission:

Labcorp Genetics (formerly Invitae), Labcorp
Classification: Uncertain significance. Last evaluated: 2022-09-12. Review status: criteria provided, single submitter. Criteria: Invitae Variant Classification Sherloc (09022015). Collection method: clinical testing. Allele origin: germline.
Comment: This sequence change replaces cysteine, which is neutral and slightly polar, with arginine, which is basic and polar, at codon 1505 of the CACNA1F protein (p.Cys1505Arg). In summary, the available evidence is currently insufficient to determine the role of this variant in disease. Therefore, it has been classified as a Variant of Uncertain Significance. Advanced modeling of protein sequence and biophysical properties (such as structural, functional, and spatial information, amino acid conservation, physicochemical variation, residue mobility, and thermodynamic stability) performed at Invitae indicates that this missense variant is not expected to disrupt CACNA1F protein function. This variant has not been reported in the literature in individuals affected with CACNA1F-related conditions. This variant is not present in population databases (gnomAD no frequency).